The following is an entry in ClinVar:

NM_001134831.2(AHI1):c.1216C>G (p.Gln406Glu)

Gene: AHI1 (Abelson helper integration site 1; minus strand). Cytogenetic location: 6q23.3.
Variant type: single nucleotide variant.
Coding change: c.1216C>G on transcript NM_001134831.2 (MANE Select); coding-DNA position 1216, C replaced by G.
Protein change: p.Gln406Glu; replaces glutamine 406 with glutamic acid.
Molecular consequence: missense variant.
Genome position (GRCh38, 1-based): chr6:135,455,862, G>C on the plus strand (C>G on the coding strand, the complement: AHI1 is on the minus strand). VCF-style: chr6-135455862-G-C. GRCh37 (hg19) VCF-style: chr6-135777000-G-C.
Other names: c.1216C>G, p.Gln406Glu (NM_001134830.2, NM_001134832.2, NM_001350503.2 and 2 more transcripts); short protein forms Q406E.
Identifiers: ClinVar variation 1381262 (VCV001381262.6), dbSNP rs2128077516, ClinGen allele CA365746639.

ClinVar aggregate classification (germline): Uncertain significance (1 of 4 stars; one submission).

Conditions:
Joubert syndrome. Also called: CEREBELLOPARENCHYMAL DISORDER IV; JOUBERT-BOLTSHAUSER SYNDROME; Familial aplasia of the vermis. Identifiers: Orphanet 475, MedGen C5979921, MONDO:0018772.

Submission:

Labcorp Genetics (formerly Invitae), Labcorp
Classification: Uncertain significance for Joubert syndrome. Last evaluated: 2021-09-15. Review status: criteria provided, single submitter. Criteria: Invitae Variant Classification Sherloc (09022015). Collection method: clinical testing. Allele origin: germline.
Comment: In summary, the available evidence is currently insufficient to determine the role of this variant in disease. Therefore, it has been classified as a Variant of Uncertain Significance. Algorithms developed to predict the effect of missense changes on protein structure and function are either unavailable or do not agree on the potential impact of this missense change (SIFT: "Deleterious"; PolyPhen-2: "Probably Damaging"; Align-GVGD: "Class C0"). This variant has not been reported in the literature in individuals affected with AHI1-related conditions. This variant is not present in population databases (ExAC no frequency). This sequence change replaces glutamine with glutamic acid at codon 406 of the AHI1 protein (p.Gln406Glu). The glutamine residue is highly conserved and there is a small physicochemical difference between glutamine and glutamic acid.